The following is an entry in ClinVar:

NM_006393.3(NEBL):c.2323del (p.Glu775fs)

Gene: NEBL (nebulette; minus strand). Cytogenetic location: 10p12.31.
Variant type: Deletion.
Coding change: c.2323del on transcript NM_006393.3 (MANE Select); coding-DNA position 2323, one base deleted (G; older notation c.2323delG).
Protein change: p.Glu775fs; shifts the reading frame from glutamic acid 775.
Molecular consequence: frameshift variant. On other transcripts: intron variant (9).
Genome position (GRCh38, 1-based): chr10:20,813,962, C deleted on the plus strand (G on the coding strand, the reverse complement: NEBL is on the minus strand). VCF-style (leftmost placement, unchanged base first): chr10-20813961-TC-T. GRCh37 (hg19) VCF-style: chr10-21102890-TC-T.
Other names: c.250-1022del (NM_001377326.1, NM_001377327.1, NM_001377328.1); c.358-1022del (NM_213569.2, NM_001173484.2, NM_001377322.1); c.301-1022del (NM_001377324.1); c.292-1022del (NM_001377325.1); c.310-1022del (NM_001377323.1); c.2323delG (NM_006393.2); short protein forms E775fs.
Identifiers: ClinVar variation 577817 (VCV000577817.9), dbSNP rs776502857, ClinGen allele CA5432525.
Genomic context (GRCh38, chr10:20,813,961, plus strand): 5'-CCTTAGCATGTTTTAAGAATGATCTGGTTGGACCCTACCATTGAAATATGATTTTGTGCT[TC>T]TTTAACATGTCTCATAGCAGGTGTATCTAAAATCAGACTTGGTCTACCTTTCATCTGTTT-3'

ClinVar aggregate classification (germline): Uncertain significance (1 of 4 stars; one submission).

Conditions:
Primary dilated cardiomyopathy (DCM). Also called: Dilated Cardiomyopathy. Identifiers: Orphanet 217604, MedGen C0007193, MeSH D002311, MONDO:0005021, HP:0001644. Inheritance: Various modes of inheritance.

Allele frequency attached by ClinVar (database versions not stated): gnomAD exomes 0.00002 and 0.00004; ExAC 0.00007.

Submission:

Labcorp Genetics (formerly Invitae), Labcorp
Classification: Uncertain significance for Primary dilated cardiomyopathy. Last evaluated: 2025-08-31. Review status: criteria provided, single submitter. Criteria: Invitae Variant Classification Sherloc (09022015). Collection method: clinical testing. Allele origin: germline.
Comment: This sequence change creates a premature translational stop signal (p.Glu775Lysfs*9) in the NEBL gene. It is expected to result in an absent or disrupted protein product. However, the current clinical and genetic evidence is not sufficient to establish whether loss-of-function variants in NEBL cause disease. This variant is present in population databases (rs776502857, gnomAD 0.03%). This variant has not been reported in the literature in individuals affected with NEBL-related conditions. ClinVar contains an entry for this variant (Variation ID: 577817). Algorithms developed to predict the effect of sequence changes on RNA splicing suggest that this variant may disrupt the consensus splice site. In summary, the available evidence is currently insufficient to determine the role of this variant in disease. Therefore, it has been classified as a Variant of Uncertain Significance.